The following is an entry in ClinVar:

NM_053025.4(MYLK):c.908G>T (p.Gly303Val)

Gene: MYLK (myosin light chain kinase; minus strand). Cytogenetic location: 3q21.1.
Variant type: single nucleotide variant.
Coding change: c.908G>T on transcript NM_053025.4 (MANE Select); coding-DNA position 908, G replaced by T.
Protein change: p.Gly303Val; replaces glycine 303 with valine.
Molecular consequence: missense variant.
Genome position (GRCh38, 1-based): chr3:123,734,088, C>A on the plus strand (G>T on the coding strand, the complement: MYLK is on the minus strand). VCF-style: chr3-123734088-C-A. GRCh37 (hg19) VCF-style: chr3-123452935-C-A.
Other names: c.908G>T (NM_053025.3); c.380G>T, p.Gly127Val (NM_001321309.2); c.908G>T, p.Gly303Val (NM_053026.4, NM_053027.4, NM_053028.4); short protein forms G127V, G303V.
Identifiers: ClinVar variation 1385264 (VCV001385264.9), dbSNP rs750416997, ClinGen allele CA073743.

ClinVar aggregate classification (germline): Conflicting classifications of pathogenicity. Review status: criteria provided, conflicting classifications (1 of 4 stars). 3 submissions from 3 submitters: Uncertain significance (1); Likely benign (1). 1 of the submissions does not count toward it. Last evaluated 2026-01-09.

Conditions:
Aortic aneurysm, familial thoracic 7 (AAT7). Also called: AORTIC DISSECTION, FAMILIAL, WITH OR WITHOUT AORTIC ANEURYSM. Identifiers: MedGen C3151077, MONDO:0013418, OMIM 613780.
MYLK-related disorder. Also called: MYLK-related condition.
Familial thoracic aortic aneurysm and aortic dissection (TAAD). Also called: Thoracic aortic aneurysms and dissections. Identifiers: Orphanet 91387, MedGen C4707243, MONDO:0019625.

Allele frequency attached by ClinVar (database versions not stated): gnomAD exomes 0.00001 and 0.00002; ExAC 0.00002.
gnomAD v4.1: 14 of 1,612,054 alleles (0.00087%); highest among the groups gnomAD compares: South Asian, 0.015%; no homozygotes.

Submissions (3):

Ambry Genetics
Classification: Likely benign for Familial thoracic aortic aneurysm and aortic dissection. Last evaluated: 2026-01-09. Review status: criteria provided, single submitter. Criteria: Ambry Variant Classification Scheme 2023. Collection method: clinical testing. Allele origin: germline.

Labcorp Genetics (formerly Invitae), Labcorp
Classification: Uncertain significance for Aortic aneurysm, familial thoracic 7. Last evaluated: 2022-06-13. Review status: criteria provided, single submitter. Criteria: Invitae Variant Classification Sherloc (09022015). Collection method: clinical testing. Allele origin: germline.
Comment: In summary, the available evidence is currently insufficient to determine the role of this variant in disease. Therefore, it has been classified as a Variant of Uncertain Significance. Advanced modeling of protein sequence and biophysical properties (such as structural, functional, and spatial information, amino acid conservation, physicochemical variation, residue mobility, and thermodynamic stability) performed at Invitae indicates that this missense variant is not expected to disrupt MYLK protein function. This variant has not been reported in the literature in individuals affected with MYLK-related conditions. This variant is present in population databases (rs750416997, gnomAD 0.02%). This sequence change replaces glycine, which is neutral and non-polar, with valine, which is neutral and non-polar, at codon 303 of the MYLK protein (p.Gly303Val).

PreventionGenetics, part of Exact Sciences
Classification: Uncertain significance for MYLK-related condition. Last evaluated: 2023-12-16. Review status: no assertion criteria provided. Collection method: clinical testing. Allele origin: germline. Not counted in ClinVar's aggregate classification.
Comment: The MYLK c.908G>T variant is predicted to result in the amino acid substitution p.Gly303Val. To our knowledge, this variant has not been reported in the literature. This variant is reported in 0.016% of alleles in individuals of South Asian descent in gnomAD. At this time, the clinical significance of this variant is uncertain due to the absence of conclusive functional and genetic evidence.